The following is an entry in ClinVar:

ClinVar aggregate classification (germline): Likely benign. Review status: criteria provided, multiple submitters, no conflicts (2 of 4 stars). 2 submissions from 2 submitters: Likely benign (2). Last evaluated 2023-10-01.

Conditions:
Meckel-Gruber syndrome. Also called: Dysencephalia splachnocystica; DYSENCEPHALIA SPLANCHNOCYSTICA; GRUBER SYNDROME. Identifiers: Orphanet 564, MedGen C0265215, MONDO:0018921.
Joubert syndrome. Also called: JOUBERT-BOLTSHAUSER SYNDROME; Familial aplasia of the vermis. Identifiers: Orphanet 475, MedGen C5979921, MONDO:0018772.

Allele frequency attached by ClinVar (database versions not stated): gnomAD exomes below 0.00001 and 0.00001; ExAC 0.00001; gnomAD 0.00001; TOPMed 0.00002.
gnomAD v4.1: 11 of 1,614,042 alleles (0.00068%); highest among the groups gnomAD compares: Non-Finnish European, 0.00093%; no homozygotes.

Submissions (2):

CeGaT Center for Human Genetics Tuebingen
Classification: Likely benign. Last evaluated: 2023-10-01. Review status: criteria provided, single submitter. Criteria: CeGaT Center For Human Genetics Tuebingen Variant Classification Criteria Version 2. Collection method: clinical testing. Allele origin: germline. Affected: yes. Observed: 1 variant allele.
Comment: TCTN1: BP4, BP7

Labcorp Genetics (formerly Invitae), Labcorp
Classification: Likely benign for Joubert syndrome; Meckel-Gruber syndrome. Last evaluated: 2022-01-17. Review status: criteria provided, single submitter. Criteria: Invitae Variant Classification Sherloc (09022015). Collection method: clinical testing. Allele origin: germline.

NM_001082538.3(TCTN1):c.858T>G (p.Val286=)

Gene: TCTN1 (tectonic family member 1; plus strand). Cytogenetic location: 12q24.11.
Variant type: single nucleotide variant.
Coding change: c.858T>G on transcript NM_001082538.3 (MANE Select); coding-DNA position 858, T replaced by G.
Protein change: p.Val286=; no amino-acid change (valine 286 retained).
Molecular consequence: synonymous variant. On other transcripts: non-coding transcript variant (1).
Genome position (GRCh38, 1-based): chr12:110,640,397, T>G. VCF-style: chr12-110640397-T-G. GRCh37 (hg19) VCF-style: chr12-111078202-T-G.
Other names: c.858T>G, p.Val286= (NM_001082537.3, NM_001319680.2); c.690T>G, p.Val230= (NM_001173975.3); c.678T>G, p.Val226= (NM_001173976.2); c.324T>G, p.Val108= (NM_001319681.2); c.816T>G, p.Val272= (NM_024549.6).
Identifiers: ClinVar variation 1578693 (VCV001578693.32), dbSNP rs770733945, ClinGen allele CA6786759.